The following is an entry in ClinVar:

ClinVar aggregate classification (germline): Uncertain significance. Review status: criteria provided, multiple submitters, no conflicts (2 of 4 stars). 2 submissions from 2 submitters: Uncertain significance (2). Last evaluated 2025-05-21.

Allele frequency attached by ClinVar (database versions not stated): ExAC 0.00002; gnomAD exomes 0.00002; gnomAD 0.00003 and 0.00004; TOPMed 0.00006; ESP Exome Variant Server 0.00008.
gnomAD v4.1: 31 of 1,613,956 alleles (0.0019%); highest among the groups gnomAD compares: African/African-American, 0.016%; no homozygotes.

Submissions (2):

Labcorp Genetics (formerly Invitae), Labcorp
Classification: Uncertain significance. Last evaluated: 2025-05-21. Review status: criteria provided, single submitter. Criteria: Invitae Variant Classification Sherloc (09022015). Collection method: clinical testing. Allele origin: germline.
Comment: This sequence change replaces threonine, which is neutral and polar, with methionine, which is neutral and non-polar, at codon 920 of the SCN3A protein (p.Thr920Met). This variant is present in population databases (rs371456512, gnomAD 0.01%). This variant has not been reported in the literature in individuals affected with SCN3A-related conditions. ClinVar contains an entry for this variant (Variation ID: 1380297). Invitae Evidence Modeling of protein sequence and biophysical properties (such as structural, functional, and spatial information, amino acid conservation, physicochemical variation, residue mobility, and thermodynamic stability) indicates that this missense variant is not expected to disrupt SCN3A protein function with a negative predictive value of 95%. In summary, the available evidence is currently insufficient to determine the role of this variant in disease. Therefore, it has been classified as a Variant of Uncertain Significance.

Revvity Omics, Revvity
Classification: Uncertain significance. Last evaluated: 2023-11-05. Review status: criteria provided, single submitter. Criteria: ACMG Guidelines, 2015. Collection method: clinical testing. Allele origin: germline.

NM_006922.4(SCN3A):c.2759C>T (p.Thr920Met)

Gene: SCN3A (sodium voltage-gated channel alpha subunit 3; minus strand). Cytogenetic location: 2q24.3.
Variant type: single nucleotide variant.
Coding change: c.2759C>T on transcript NM_006922.4 (MANE Select); coding-DNA position 2759, C replaced by T.
Protein change: p.Thr920Met; replaces threonine 920 with methionine.
Molecular consequence: missense variant.
Genome position (GRCh38, 1-based): chr2:165,130,103, G>A on the plus strand (C>T on the coding strand, the complement: SCN3A is on the minus strand). VCF-style: chr2-165130103-G-A. GRCh37 (hg19) VCF-style: chr2-165986613-G-A.
Other names: c.2612C>T, p.Thr871Met (NM_001081676.2, NM_001081677.2); c.2759C>T (NM_006922.3); short protein forms T920M, T871M.
Identifiers: ClinVar variation 1380297 (VCV001380297.8), dbSNP rs371456512, ClinGen allele CA1938903.